The following is an entry in ClinVar:

ClinVar aggregate classification (germline): Uncertain significance (1 of 4 stars; one submission).

Submission:

Labcorp Genetics (formerly Invitae), Labcorp
Classification: Uncertain significance. Last evaluated: 2025-02-24. Review status: criteria provided, single submitter. Criteria: Invitae Variant Classification Sherloc (09022015). Collection method: clinical testing. Allele origin: germline.
Comment: This sequence change replaces serine, which is neutral and polar, with isoleucine, which is neutral and non-polar, at codon 1003 of the SAMD9L protein (p.Ser1003Ile). This variant is not present in population databases (gnomAD no frequency). This variant has not been reported in the literature in individuals affected with SAMD9L-related conditions. ClinVar contains an entry for this variant (Variation ID: 2094036). An algorithm developed to predict the effect of missense changes on protein structure and function (PolyPhen-2) suggests that this variant is likely to be disruptive. In summary, the available evidence is currently insufficient to determine the role of this variant in disease. Therefore, it has been classified as a Variant of Uncertain Significance.

NM_152703.5(SAMD9L):c.3008G>T (p.Ser1003Ile)

Gene: SAMD9L (sterile alpha motif domain containing 9 like; minus strand). Cytogenetic location: 7q21.2.
Variant type: single nucleotide variant.
Coding change: c.3008G>T on transcript NM_152703.5 (MANE Select); coding-DNA position 3008, G replaced by T.
Protein change: p.Ser1003Ile; replaces serine 1003 with isoleucine.
Molecular consequence: missense variant.
Genome position (GRCh38, 1-based): chr7:93,132,964, C>A on the plus strand (G>T on the coding strand, the complement: SAMD9L is on the minus strand). VCF-style: chr7-93132964-C-A. GRCh37 (hg19) VCF-style: chr7-92762277-C-A.
Other names: c.3008G>T, p.Ser1003Ile (NM_001303496.3, NM_001303497.3, NM_001303498.3 and 5 more transcripts); short protein forms S1003I.
Identifiers: ClinVar variation 2094036 (VCV002094036.4), dbSNP rs370655820, ClinGen allele CA368185662.
Genomic context (GRCh38, chr7:93,132,964, plus strand): 5'-TCATAGAATAAATTCTCTTCTAATATATTCAATGCAATTTGACATTTATCCAAGTGATAG[C>A]TTCTTTCCAGTTCTTTTAGACAGTACAGGGCAATCAGAGGGTGAATGATACGCACACCTG-3'
Protein context (NP_689916.2, residues 993-1013): ALYCLKELER[Ser1003Ile]YHLDKCQIAL